The following is an entry in ClinVar:

ClinVar aggregate classification (germline): Uncertain significance (1 of 4 stars; one submission).

Conditions:
Inborn genetic diseases. Identifiers: MedGen C0950123, MeSH D030342.

gnomAD v4.1: 2 of 1,519,220 alleles (0.00013%); highest among the groups gnomAD compares: Non-Finnish European, 0.00018%; no homozygotes.

Submission:

Ambry Genetics
Classification: Uncertain significance for Inborn genetic diseases. Last evaluated: 2025-05-31. Review status: criteria provided, single submitter. Criteria: Ambry Variant Classification Scheme 2023. Collection method: clinical testing. Allele origin: germline.
Comment: The p.Y74C variant (also known as c.221A>G), located in coding exon 1 of the SH2B3 gene, results from an A to G substitution at nucleotide position 221. The tyrosine at codon 74 is replaced by cysteine, an amino acid with highly dissimilar properties. This amino acid position is conserved. In addition, this alteration is predicted to be tolerated by in silico analysis. Based on the available evidence, the clinical significance of this variant remains unclear.

NM_005475.3(SH2B3):c.221A>G (p.Tyr74Cys)

Gene: SH2B3 (SH2B adaptor protein 3; plus strand). Cytogenetic location: 12q24.12.
Variant type: single nucleotide variant.
Coding change: c.221A>G on transcript NM_005475.3 (MANE Select); coding-DNA position 221, A replaced by G.
Protein change: p.Tyr74Cys; replaces tyrosine 74 with cysteine.
Molecular consequence: missense variant.
Genome position (GRCh38, 1-based): chr12:111,418,366, A>G. VCF-style: chr12-111418366-A-G. GRCh37 (hg19) VCF-style: chr12-111856170-A-G.
Other names: short protein forms Y74C.
Identifiers: ClinVar variation 3953536 (VCV003953536.1).
Genomic context (GRCh38, chr12:111,418,366, plus strand): 5'-AGCACGCGCCGCTGCGCGCCGAGCTGGTGTCGCTGCAGTTCACCGACCTCTTCCAGCGCT[A>G]CTTCTGCCGCGAGGTGCGCGACGGACGGGCGCCGGGCCGCGACTACCGGGACACAGGCCG-3'
Protein context (NP_005466.1, residues 64-84): SLQFTDLFQR[Tyr74Cys]FCREVRDGRA